The following is an entry in ClinVar:

NM_006231.4(POLE):c.3430A>T (p.Ile1144Phe)

Gene: POLE (DNA polymerase epsilon, catalytic subunit; minus strand). Cytogenetic location: 12q24.33.
Variant type: single nucleotide variant.
Coding change: c.3430A>T on transcript NM_006231.4 (MANE Select); coding-DNA position 3430, A replaced by T.
Protein change: p.Ile1144Phe; replaces isoleucine 1144 with phenylalanine.
Molecular consequence: missense variant.
Genome position (GRCh38, 1-based): chr12:132,657,378, T>A on the plus strand (A>T on the coding strand, the complement: POLE is on the minus strand). VCF-style: chr12-132657378-T-A. GRCh37 (hg19) VCF-style: chr12-133233964-T-A.
Other names: short protein forms I1144F.
Identifiers: ClinVar variation 4141180 (VCV004141180.1).

ClinVar aggregate classification (germline): Uncertain significance (1 of 4 stars; one submission).

Conditions:
Hereditary cancer-predisposing syndrome. Also called: Hereditary neoplastic syndrome; Neoplastic Syndromes, Hereditary; Tumor predisposition; Hereditary Cancer Syndrome. Identifiers: Orphanet 140162, MedGen C0027672, MeSH D009386, MONDO:0015356.

Submission:

Ambry Genetics
Classification: Uncertain significance for Hereditary cancer-predisposing syndrome. Last evaluated: 2025-07-28. Review status: criteria provided, single submitter. Criteria: Ambry Variant Classification Scheme 2023. Collection method: clinical testing. Allele origin: germline.
Comment: The p.I1144F variant (also known as c.3430A>T), located in coding exon 28 of the POLE gene, results from an A to T substitution at nucleotide position 3430. The isoleucine at codon 1144 is replaced by phenylalanine, an amino acid with highly similar properties. This amino acid position is conserved. In addition, the in silico prediction for this alteration is inconclusive. Based on the available evidence, the clinical significance of this variant remains unclear.